The following is an entry in ClinVar:

ClinVar aggregate classification (germline): Uncertain significance (1 of 4 stars; one submission).

Conditions:
Charcot-Marie-Tooth Neuropathy X. Identifiers: MedGen CN118851.
Combined oxidative phosphorylation deficiency. Identifiers: MedGen C4540031, MONDO:0000732.

Submission:

Labcorp Genetics (formerly Invitae), Labcorp
Classification: Uncertain significance for Charcot-Marie-Tooth Neuropathy X; Combined oxidative phosphorylation deficiency. Last evaluated: 2022-09-01. Review status: criteria provided, single submitter. Criteria: Invitae Variant Classification Sherloc (09022015). Collection method: clinical testing. Allele origin: germline.
Comment: This sequence change replaces aspartic acid, which is acidic and polar, with alanine, which is neutral and non-polar, at codon 594 of the AIFM1 protein (p.Asp594Ala). This variant is not present in population databases (gnomAD no frequency). This variant has not been reported in the literature in individuals affected with AIFM1-related conditions. ClinVar contains an entry for this variant (Variation ID: 948157). Advanced modeling of protein sequence and biophysical properties (such as structural, functional, and spatial information, amino acid conservation, physicochemical variation, residue mobility, and thermodynamic stability) performed at Invitae indicates that this missense variant is not expected to disrupt AIFM1 protein function. In summary, the available evidence is currently insufficient to determine the role of this variant in disease. Therefore, it has been classified as a Variant of Uncertain Significance.

NM_004208.4(AIFM1):c.1781A>C (p.Asp594Ala)

Genes: AIFM1 (apoptosis inducing factor mitochondria associated 1; minus strand), RAB33A (RAB33A, member RAS oncogene family; plus strand). Cytogenetic location: Xq26.1.
Variant type: single nucleotide variant.
Coding change: c.1781A>C on transcript NM_004208.4 (MANE Select); coding-DNA position 1781, A replaced by C.
Protein change: p.Asp594Ala; replaces aspartic acid 594 with alanine.
Molecular consequence: missense variant. On other transcripts: 3 prime UTR variant (1), non-coding transcript variant (1).
Genome position (GRCh38, 1-based): chrX:130,129,618, T>G on the plus strand (A>C on the coding strand, the complement: AIFM1 is on the minus strand). VCF-style: chrX-130129618-T-G. GRCh37 (hg19) VCF-style: chrX-129263593-T-G.
Other names: c.764A>C, p.Asp255Ala (NM_001130846.4); c.*1009A>C (NM_001130847.4); c.1769A>C, p.Asp590Ala (NM_145812.3); short protein forms D590A, D255A, D594A.
Identifiers: ClinVar variation 948157 (VCV000948157.9), dbSNP rs2029975071, ClinGen allele CA414566659.